The following is an entry in ClinVar:

NM_031935.3(HMCN1):c.4435G>C (p.Gly1479Arg)

Gene: HMCN1 (hemicentin 1; plus strand). Cytogenetic location: 1q31.1.
Variant type: single nucleotide variant.
Coding change: c.4435G>C on transcript NM_031935.3 (MANE Select); coding-DNA position 4435, G replaced by C.
Protein change: p.Gly1479Arg; replaces glycine 1479 with arginine.
Molecular consequence: missense variant.
Genome position (GRCh38, 1-based): chr1:186,003,804, G>C. VCF-style: chr1-186003804-G-C. GRCh37 (hg19) VCF-style: chr1-185972936-G-C.
Other names: short protein forms G1479R.
Identifiers: ClinVar variation 2044207 (VCV002044207.4), dbSNP rs751544154, ClinGen allele CA343878924.

ClinVar aggregate classification (germline): Uncertain significance (1 of 4 stars; one submission).

gnomAD v4.1: 1 of 1,613,318 alleles (0.000062%); highest among the groups gnomAD compares: Admixed American, 0.0017%; no homozygotes.

Submission:

Labcorp Genetics (formerly Invitae), Labcorp
Classification: Uncertain significance. Last evaluated: 2022-03-18. Review status: criteria provided, single submitter. Criteria: Invitae Variant Classification Sherloc (09022015). Collection method: clinical testing. Allele origin: germline.
Comment: In summary, the available evidence is currently insufficient to determine the role of this variant in disease. Therefore, it has been classified as a Variant of Uncertain Significance. Algorithms developed to predict the effect of missense changes on protein structure and function are either unavailable or do not agree on the potential impact of this missense change (SIFT: "Deleterious"; PolyPhen-2: "Probably Damaging"; Align-GVGD: "Class C15"). This sequence change replaces glycine, which is neutral and non-polar, with arginine, which is basic and polar, at codon 1479 of the HMCN1 protein (p.Gly1479Arg). This variant is not present in population databases (gnomAD no frequency). This variant has not been reported in the literature in individuals affected with HMCN1-related conditions.